The following is an entry in ClinVar:

NM_006514.4(SCN10A):c.4247T>G (p.Val1416Gly)

Gene: SCN10A (sodium voltage-gated channel alpha subunit 10; minus strand). Cytogenetic location: 3p22.2.
Variant type: single nucleotide variant.
Coding change: c.4247T>G on transcript NM_006514.4 (MANE Select); coding-DNA position 4247, T replaced by G.
Protein change: p.Val1416Gly; replaces valine 1416 with glycine.
Molecular consequence: missense variant.
Genome position (GRCh38, 1-based): chr3:38,709,512, A>C on the plus strand (T>G on the coding strand, the complement: SCN10A is on the minus strand). VCF-style: chr3-38709512-A-C. GRCh37 (hg19) VCF-style: chr3-38751003-A-C.
Other names: c.4244T>G, p.Val1415Gly (NM_001293306.2); c.3953T>G, p.Val1318Gly (NM_001293307.2); short protein forms V1416G, V1318G, V1415G.
Identifiers: ClinVar variation 1739040 (VCV001739040.2), dbSNP rs2470590892, ClinGen allele CA352149653.
Genomic context (GRCh38, chr3:38,709,512, plus strand): 5'-ACCAGAAACTCCTGAGCACCACTTATCTTTTTTTTCTGTTGATTGAAGTTGTCAATTATG[A>C]CCCCAACAAAGAGATTCAGTGTGAAGAAGCCTCCAAAAATGATGAAGATGACAAAGTACA-3'
Protein context (NP_006505.4, residues 1406-1426): GFFTLNLFVG[Val1416Gly]IIDNFNQQKK

ClinVar aggregate classification (germline): Uncertain significance (1 of 4 stars; one submission).

Conditions:
Cardiovascular phenotype. Identifiers: MedGen CN230736.

Submission:

Ambry Genetics
Classification: Uncertain significance for Cardiovascular phenotype. Last evaluated: 2020-12-03. Review status: criteria provided, single submitter. Criteria: Ambry Variant Classification Scheme 2023. Collection method: clinical testing. Allele origin: germline.
Comment: The p.V1416G variant (also known as c.4247T>G), located in coding exon 24 of the SCN10A gene, results from a T to G substitution at nucleotide position 4247. The valine at codon 1416 is replaced by glycine, an amino acid with dissimilar properties. This amino acid position is highly conserved in available vertebrate species. In addition, this alteration is predicted to be deleterious by in silico analysis. Since supporting evidence is limited at this time, the clinical significance of this alteration remains unclear.